The following is an entry in ClinVar:

ClinVar aggregate classification (germline): Uncertain significance (1 of 4 stars; one submission).

Conditions:
Glycogen storage disease IV, classic hepatic. Also called: GSD IV, CLASSIC HEPATIC. Identifiers: MedGen C1856301.
Glycogen storage disease, type IV (GSD4). Also called: GBE1 DEFICIENCY; GLYCOGEN BRANCHING ENZYME DEFICIENCY; GLYCOGENOSIS IV; Glycogen storage disease due to glycogen branching enzyme deficiency; GSD IV; AMYLOPECTINOSIS. Identifiers: Orphanet 367, MedGen C0017923, MONDO:0009292, OMIM 232500.

Allele frequency attached by ClinVar (database versions not stated): gnomAD exomes below 0.00001.
gnomAD v4.1: 1 of 1,612,816 alleles (0.000062%); highest among the groups gnomAD compares: Non-Finnish European, 0.000085%; no homozygotes.

Submission:

Labcorp Genetics (formerly Invitae), Labcorp
Classification: Uncertain significance for Glycogen storage disease, type IV; Glycogen storage disease IV, classic hepatic. Last evaluated: 2020-12-02. Review status: criteria provided, single submitter. Criteria: Invitae Variant Classification Sherloc (09022015). Collection method: clinical testing. Allele origin: germline.
Comment: This variant is not present in population databases (ExAC no frequency). This variant has not been reported in the literature in individuals with GBE1-related conditions. Advanced modeling of protein sequence and biophysical properties (such as structural, functional, and spatial information, amino acid conservation, physicochemical variation, residue mobility, and thermodynamic stability) performed at Invitae indicates that this missense variant is expected to disrupt GBE1 protein function. In summary, the available evidence is currently insufficient to determine the role of this variant in disease. Therefore, it has been classified as a Variant of Uncertain Significance. This sequence change replaces alanine with proline at codon 276 of the GBE1 protein (p.Ala276Pro). The alanine residue is highly conserved and there is a small physicochemical difference between alanine and proline.

NM_000158.4(GBE1):c.826G>C (p.Ala276Pro)

Gene: GBE1 (1,4-alpha-glucan branching enzyme 1; minus strand). Cytogenetic location: 3p12.2.
Variant type: single nucleotide variant.
Coding change: c.826G>C on transcript NM_000158.4 (MANE Select); coding-DNA position 826, G replaced by C.
Protein change: p.Ala276Pro; replaces alanine 276 with proline.
Molecular consequence: missense variant.
Genome position (GRCh38, 1-based): chr3:81,642,947, C>G on the plus strand (G>C on the coding strand, the complement: GBE1 is on the minus strand). VCF-style: chr3-81642947-C-G. GRCh37 (hg19) VCF-style: chr3-81692098-C-G.
Other names: short protein forms A276P.
Identifiers: ClinVar variation 1508522 (VCV001508522.6), dbSNP rs2107059765, ClinGen allele CA353687498.
Genomic context (GRCh38, chr3:81,642,947, plus strand): 5'-AATTTTTTGAAGCATGGCTGTGTACCACATCTAAGAGGACTATGATACCCATGGAATGAG[C>G]TGTGTCTACCAGTTCTTGTAGCTCTTCAGGTGTTCCATAACGGCTAACAATGAAGAACAC-3'
Protein context (NP_000149.4, residues 266-286): PEELQELVDT[Ala276Pro]HSMGIIVLLD